The following is an entry in ClinVar:

NM_003118.4(SPARC):c.101C>T (p.Thr34Ile)

Gene: SPARC (secreted protein acidic and cysteine rich; minus strand). Cytogenetic location: 5q33.1.
Variant type: single nucleotide variant.
Coding change: c.101C>T on transcript NM_003118.4 (MANE Select); coding-DNA position 101, C replaced by T.
Protein change: p.Thr34Ile; replaces threonine 34 with isoleucine.
Molecular consequence: missense variant.
Genome position (GRCh38, 1-based): chr5:151,674,631, G>A on the plus strand (C>T on the coding strand, the complement: SPARC is on the minus strand). VCF-style: chr5-151674631-G-A. GRCh37 (hg19) VCF-style: chr5-151054192-G-A.
Other names: c.98C>T, p.Thr33Ile (NM_001309443.2); c.101C>T, p.Thr34Ile (NM_001309444.2); short protein forms T33I, T34I.
Identifiers: ClinVar variation 4172631 (VCV004172631.3).

ClinVar aggregate classification (germline): Uncertain significance. Review status: criteria provided, multiple submitters, no conflicts (2 of 4 stars). 2 submissions from 2 submitters: Uncertain significance (2). Last evaluated 2025-09-10.

Conditions:
Inborn genetic diseases. Identifiers: MedGen C0950123, MeSH D030342.

Submissions (2):

Ambry Genetics
Classification: Uncertain significance for Inborn genetic diseases. Last evaluated: 2025-09-10. Review status: criteria provided, single submitter. Criteria: Ambry Variant Classification Scheme 2023. Collection method: clinical testing. Allele origin: germline.

Dasa
Classification: Uncertain significance. Last evaluated: 2025-04-07. Review status: criteria provided, single submitter. Criteria: DASA Assertion Criteria. Collection method: clinical testing. Allele origin: germline.
Comment: NM_003118.4(SPARC):c.101C>T (p.Thr34Ile) is a missense variant that results in the substitution of threonine with isoleucine. This variant is rare in population databases. Computational prediction algorithms are consistent with a benign effect. The currently available literature and clinical evidence are not sufficient to establish a definitive association between this variant and the reported condition. Therefore, this variant is classified as a variant of uncertain significance.